The following is an entry in ClinVar:

ClinVar aggregate classification (germline): Uncertain significance (1 of 4 stars; one submission).

Conditions:
Charcot-Marie-Tooth disease type 2. Also called: Charcot-Marie-Tooth type 2. Identifiers: Orphanet 64746, MedGen C0270914, MONDO:0018993.

Submission:

Labcorp Genetics (formerly Invitae), Labcorp
Classification: Uncertain significance for Charcot-Marie-Tooth disease type 2. Last evaluated: 2024-07-11. Review status: criteria provided, single submitter. Criteria: Invitae Variant Classification Sherloc (09022015). Collection method: clinical testing. Allele origin: germline.
Comment: This sequence change replaces glycine, which is neutral and non-polar, with serine, which is neutral and polar, at codon 45 of the AARS protein (p.Gly45Ser). This variant is not present in population databases (gnomAD no frequency). This variant has not been reported in the literature in individuals affected with AARS-related conditions. ClinVar contains an entry for this variant (Variation ID: 1008585). Advanced modeling of protein sequence and biophysical properties (such as structural, functional, and spatial information, amino acid conservation, physicochemical variation, residue mobility, and thermodynamic stability) has been performed at Invitae for this missense variant, however the output from this modeling did not meet the statistical confidence thresholds required to predict the impact of this variant on AARS protein function. In summary, the available evidence is currently insufficient to determine the role of this variant in disease. Therefore, it has been classified as a Variant of Uncertain Significance.

NM_001605.3(AARS1):c.133G>A (p.Gly45Ser)

Gene: AARS1 (alanyl-tRNA synthetase 1; minus strand). Cytogenetic location: 16q22.1.
Variant type: single nucleotide variant.
Coding change: c.133G>A on transcript NM_001605.3 (MANE Select); coding-DNA position 133, G replaced by A.
Protein change: p.Gly45Ser; replaces glycine 45 with serine.
Molecular consequence: missense variant.
Genome position (GRCh38, 1-based): chr16:70,282,631, C>T on the plus strand (G>A on the coding strand, the complement: AARS1 is on the minus strand). VCF-style: chr16-70282631-C-T. GRCh37 (hg19) VCF-style: chr16-70316534-C-T.
Other names: short protein forms G45S.
Identifiers: ClinVar variation 1008585 (VCV001008585.9), dbSNP rs1960729134, ClinGen allele CA396570341.